The following is an entry in ClinVar:

NM_000789.4(ACE):c.2570G>A (p.Arg857His)

Gene: ACE (angiotensin I converting enzyme; plus strand). Cytogenetic location: 17q23.3.
Variant type: single nucleotide variant.
Coding change: c.2570G>A on transcript NM_000789.4 (MANE Select); coding-DNA position 2570, G replaced by A.
Protein change: p.Arg857His; replaces arginine 857 with histidine.
Molecular consequence: missense variant.
Genome position (GRCh38, 1-based): chr17:63,489,061, G>A. VCF-style: chr17-63489061-G-A. GRCh37 (hg19) VCF-style: chr17-61566422-G-A.
Other names: p.(Arg857His); c.848G>A, p.Arg283His (NM_001178057.2, NM_152830.3); short protein forms R857H, R283H.
Identifiers: ClinVar variation 324398 (VCV000324398.8), dbSNP rs146089353, ClinGen allele CA8700153.
Genomic context (GRCh38, chr17:63,489,061, plus strand): 5'-ACCTGGAGCGGCTCTTCCAGGAGCTGCAGCCACTCTACCTCAACCTGCATGCCTACGTGC[G>A]CCGGGCCCTGCACCGTCACTACGGGGCCCAGCACATCAACCTGGAGGGGCCCATTCCTGC-3'
Protein context (NP_000780.1, residues 847-867): PLYLNLHAYV[Arg857His]RALHRHYGAQ

ClinVar aggregate classification (germline): Conflicting classifications of pathogenicity. Review status: criteria provided, conflicting classifications (1 of 4 stars). 3 submissions from 3 submitters: Likely pathogenic (1); Uncertain significance (2). Last evaluated 2026-07-13.

Conditions:
Hemorrhage, intracerebral, susceptibility to (ICH). Also called: Stroke, hemorrhagic, susceptibility to. Identifiers: MedGen C3281105, MONDO:0100533, OMIM 614519.
Renal tubular dysgenesis of genetic origin. Also called: PRIMITIVE RENAL TUBULE SYNDROME. Identifiers: Orphanet 97369, MedGen C5681536, MONDO:0009970, OMIM 267430.
Microvascular complications of diabetes, susceptibility to, 3. Identifiers: MedGen C2675470, MONDO:0012963, OMIM 612624.

Allele frequency attached by ClinVar (database versions not stated): TOPMed 0.00004; ESP Exome Variant Server 0.00023.
gnomAD v4.1: 145 of 1,613,834 alleles (0.009%); highest among the groups gnomAD compares: Non-Finnish European, 0.012%; no homozygotes.

Submissions (3):

Department of Molecular Genetics, Istishari Arab Hospital
Classification: Likely pathogenic for Renal tubular dysgenesis of genetic origin. Last evaluated: 2026-07-13. Review status: criteria provided, single submitter. Criteria: ACMG Guidelines, 2015. Collection method: clinical testing. Allele origin: germline. Inheritance: Autosomal recessive inheritance. Affected: yes.
Comment: The ACE variant c.2570G>A p.(Arg857His) causes an amino acid change from Arg to His at position 857 in exon no. 17 (of 25). According to HGMD Professional 2023.3, this variant has previously been described as disease-causing for Renal tubular dysgenesis (PMIDs:22095942, 24163131). Functional studies have been performed and showed that this variant may cause incorrect protein folding (PMIDs: 24163131, 38071212). It is classified as likely pathogenic according to the recommendations of ACMG/AMP/ClinGen SVI guidelines.

Department of Pathology and Laboratory Medicine, Sinai Health System
Classification: Uncertain significance for renal tubular dysgenesis of genetic origin. Last evaluated: 2023-05-15. Review status: criteria provided, single submitter. Criteria: ACMG Guidelines, 2015. Collection method: research. Allele origin: germline.

Fulgent Genetics
Classification: Uncertain significance for Renal tubular dysgenesis of genetic origin; Microvascular complications of diabetes, susceptibility to, 3; Hemorrhage, intracerebral, susceptibility to. Last evaluated: 2022-03-18. Review status: criteria provided, single submitter. Criteria: ACMG Guidelines, 2015. Collection method: clinical testing. Allele origin: unknown.

Literature cited by the submitters: PubMed 22095942 (cited by Department of Molecular Genetics, Istishari Arab Hospital); PubMed 24163131 (cited by Department of Molecular Genetics, Istishari Arab Hospital); PubMed 38071212 (cited by Department of Molecular Genetics, Istishari Arab Hospital).